The following is an entry in ClinVar:

NM_000091.5(COL4A3):c.1026T>C (p.Gly342=)

Genes: COL4A3 (collagen type IV alpha 3 chain; plus strand), MFF-DT (MFF divergent transcript; minus strand). Cytogenetic location: 2q36.3.
Variant type: single nucleotide variant.
Coding change: c.1026T>C on transcript NM_000091.5 (MANE Select); coding-DNA position 1026, T replaced by C.
Protein change: p.Gly342=; no amino-acid change (glycine 342 retained).
Molecular consequence: synonymous variant.
Genome position (GRCh38, 1-based): chr2:227,257,641, T>C. VCF-style: chr2-227257641-T-C. GRCh37 (hg19) VCF-style: chr2-228122357-T-C.
Identifiers: ClinVar variation 3058015 (VCV003058015.2), dbSNP rs2469594157, ClinGen allele CA431510502.

ClinVar aggregate classification (germline): Likely benign (0 of 4 stars; one submission).

Conditions:
COL4A3-related disorder. Also called: COL4A3-related condition; COL4A3-Related Disorders.

Submission:

PreventionGenetics, part of Exact Sciences
Classification: Likely benign for COL4A3-related condition. Last evaluated: 2019-04-05. Review status: no assertion criteria provided. Collection method: clinical testing. Allele origin: germline.
Comment: This variant is classified as likely benign based on ACMG/AMP sequence variant interpretation guidelines (Richards et al. 2015 PMID: 25741868, with internal and published modifications).